The following is an entry in ClinVar:

ClinVar aggregate classification (germline): Uncertain significance (1 of 4 stars; one submission).

Conditions:
Noonan syndrome 9 (NS9). Identifiers: Orphanet 648, MedGen C4225282, MONDO:0014691, OMIM 616559.

Submission:

Labcorp Genetics (formerly Invitae), Labcorp
Classification: Uncertain significance for Noonan syndrome 9. Last evaluated: 2021-12-09. Review status: criteria provided, single submitter. Criteria: Invitae Variant Classification Sherloc (09022015). Collection method: clinical testing. Allele origin: germline.
Comment: This sequence change replaces valine, which is neutral and non-polar, with alanine, which is neutral and non-polar, at codon 680 of the SOS2 protein (p.Val680Ala). This variant is not present in population databases (gnomAD no frequency). This variant has not been reported in the literature in individuals affected with SOS2-related conditions. Advanced modeling of protein sequence and biophysical properties (such as structural, functional, and spatial information, amino acid conservation, physicochemical variation, residue mobility, and thermodynamic stability) performed at Invitae indicates that this missense variant is not expected to disrupt SOS2 protein function. In summary, the available evidence is currently insufficient to determine the role of this variant in disease. Therefore, it has been classified as a Variant of Uncertain Significance.

NM_006939.4(SOS2):c.2039T>C (p.Val680Ala)

Gene: SOS2 (SOS Ras/Rho guanine nucleotide exchange factor 2; minus strand). Cytogenetic location: 14q21.3.
Variant type: single nucleotide variant.
Coding change: c.2039T>C on transcript NM_006939.4 (MANE Select); coding-DNA position 2039, T replaced by C.
Protein change: p.Val680Ala; replaces valine 680 with alanine.
Molecular consequence: missense variant.
Genome position (GRCh38, 1-based): chr14:50,157,017, A>G on the plus strand (T>C on the coding strand, the complement: SOS2 is on the minus strand). VCF-style: chr14-50157017-A-G. GRCh37 (hg19) VCF-style: chr14-50623735-A-G.
Other names: c.1940T>C, p.Val647Ala (NM_001411020.1); short protein forms V647A, V680A.
Identifiers: ClinVar variation 2038591 (VCV002038591.4), dbSNP rs2502974273, ClinGen allele CA389644373.